The following is an entry in ClinVar:

NM_004086.3(COCH):c.1477+9C>A

Genes: COCH (cochlin; plus strand), COCH-AS1 (COCH antisense RNA 1; minus strand). Cytogenetic location: 14q12.
Variant type: single nucleotide variant.
Coding change: c.1477+9C>A on transcript NM_004086.3 (MANE Select); 9 bases into the intron after coding-DNA position 1477, C replaced by A.
Molecular consequence: intron variant. On other transcripts: non-coding transcript variant (1).
Genome position (GRCh38, 1-based): chr14:30,886,321, C>A. VCF-style: chr14-30886321-C-A. GRCh37 (hg19) VCF-style: chr14-31355527-C-A.
Other names: p.?; c.1672+9C>A (NM_001347720.2); c.1477+9C>A (NM_001135058.2).
Identifiers: ClinVar variation 226528 (VCV000226528.22), dbSNP rs17097458, ClinGen allele CA7143321.
Genomic context (GRCh38, chr14:30,886,321, plus strand): 5'-GGGCAGTCCTATGATGATGTCCAAGGCCCTGCAGCTGCTGCACATGATGCAGGTAAGGTC[C>A]TTGTTCTTTATAGGAGAAGGGAACAGAAAAAACGGTTCAGTGAATTTAGGAGTAAATAAA-3'

ClinVar aggregate classification (germline): Benign. Review status: criteria provided, multiple submitters, no conflicts (2 of 4 stars). 9 submissions from 9 submitters: Benign (7). 2 of the submissions do not count toward it. Last evaluated 2026-02-02.

Conditions:
Autosomal dominant nonsyndromic hearing loss 9. Identifiers: Orphanet 90635, MedGen C1832425, MONDO:0011058, OMIM 601369.

Allele frequency attached by ClinVar (database versions not stated): ESP Exome Variant Server 0.04342; gnomAD 0.05034 and 0.05353; TOPMed 0.05101; ExAC 0.06591; gnomAD exomes 0.06666; 1000 Genomes Project 30x 0.07074; 1000 Genomes Project 0.07169.
gnomAD v4.1: 94,585 of 1,613,692 alleles (5.9%); highest among the groups gnomAD compares: East Asian, 17%; 3,469 homozygotes.

Submissions (28):

Labcorp Genetics (formerly Invitae), Labcorp
Classification: Benign. Last evaluated: 2026-02-02. Review status: criteria provided, single submitter. Criteria: Invitae Variant Classification Sherloc (09022015). Collection method: clinical testing. Allele origin: germline.

Mayo Clinic Laboratories, Mayo Clinic
Classification: Benign. Last evaluated: 2022-05-09. Review status: criteria provided, single submitter. Criteria: ACMG Guidelines, 2015. Collection method: clinical testing. Allele origin: germline. Observed: 20 variant alleles.

Illumina Laboratory Services, Illumina
Classification: Benign for Autosomal dominant nonsyndromic hearing loss 9. Last evaluated: 2018-01-12. Review status: criteria provided, single submitter. Criteria: ICSL Variant Classification Criteria 13 December 2019. Collection method: clinical testing. Allele origin: germline.
Comment: This variant was observed in the ICSL laboratory as part of a predisposition screen in an ostensibly healthy population. It had not been previously curated by ICSL or reported in the Human Gene Mutation Database (HGMD: prior to June 1st, 2018), and was therefore a candidate for classification through an automated scoring system. Utilizing variant allele frequency, disease prevalence and penetrance estimates, and inheritance mode, an automated score was calculated to assess if this variant is too frequent to cause the disease. Based on the score and internal cut-off values, a variant classified as benign is not then subjected to further curation. The score for this variant resulted in a classification of benign for this disease.

GeneDx
Classification: Benign. Last evaluated: 2017-08-03. Review status: criteria provided, single submitter. Criteria: GeneDx Variant Classification (06012015). Collection method: clinical testing. Allele origin: germline. Affected: yes.
Comment: This variant is considered likely benign or benign based on one or more of the following criteria: it is a conservative change, it occurs at a poorly conserved position in the protein, it is predicted to be benign by multiple in silico algorithms, and/or has population frequency not consistent with disease.

Laboratory for Molecular Medicine, Mass General Brigham Personalized Medicine
Classification: Benign. Last evaluated: 2012-05-07. Review status: criteria provided, single submitter. Criteria: LMM Criteria. Collection method: clinical testing. Allele origin: germline. Observed: 90 variant alleles.
Comment: 1477+9C>A in Intron 11 of COCH: This variant is not expected to have clinical si gnificance because it is not located within the conserved splice consensus seque nce and has been identified in 5.3% (369/7014) of European American chromosomes from a broad population by the NHLBI Exome Sequencing Project (dbSNP rs17097458).

Breakthrough Genomics
Classification: Benign. Review status: criteria provided, single submitter. Criteria: ACMG Guidelines, 2015. Collection method: not provided. Allele origin: germline. Inheritance: Autosomal recessive inheritance. Affected: yes.

PreventionGenetics, part of Exact Sciences
Classification: Benign. Review status: criteria provided, single submitter. Criteria: ACMG Guidelines, 2015. Collection method: clinical testing. Allele origin: germline.

Clinical Genetics DNA and cytogenetics Diagnostics Lab, Erasmus MC, Erasmus Medical Center
Classification: Benign. Review status: no assertion criteria provided. Collection method: clinical testing. Allele origin: germline. Affected: yes. Study: VKGL Data-share Consensus. Not counted in ClinVar's aggregate classification.

Dr. Peter K. Rogan Lab, Western University
No classification provided (evidence only). Condition: Acute myeloid leukemia. Review status: no classification provided. Collection method: in vitro. Allele origin: not applicable. Functional consequence: retained intron. Not counted in ClinVar's aggregate classification.

Dr. Peter K. Rogan Lab, Western University
No classification provided (evidence only). Condition: Acute myeloid leukemia. Review status: no classification provided. Collection method: in vitro. Allele origin: not applicable. Functional consequence: retained intron. Not counted in ClinVar's aggregate classification.

Dr. Peter K. Rogan Lab, Western University
No classification provided (evidence only). Condition: Acute myeloid leukemia. Review status: no classification provided. Collection method: in vitro. Allele origin: not applicable. Functional consequence: retained intron. Not counted in ClinVar's aggregate classification.

Dr. Peter K. Rogan Lab, Western University
No classification provided (evidence only). Condition: Acute myeloid leukemia. Review status: no classification provided. Collection method: in vitro. Allele origin: not applicable. Functional consequence: retained intron. Not counted in ClinVar's aggregate classification.

Dr. Peter K. Rogan Lab, Western University
No classification provided (evidence only). Condition: Acute myeloid leukemia. Review status: no classification provided. Collection method: in vitro. Allele origin: not applicable. Functional consequence: retained intron. Not counted in ClinVar's aggregate classification.

Dr. Peter K. Rogan Lab, Western University
No classification provided (evidence only). Condition: Acute myeloid leukemia. Review status: no classification provided. Collection method: in vitro. Allele origin: not applicable. Functional consequence: retained intron. Not counted in ClinVar's aggregate classification.

Dr. Peter K. Rogan Lab, Western University
No classification provided (evidence only). Condition: Acute myeloid leukemia. Review status: no classification provided. Collection method: in vitro. Allele origin: not applicable. Functional consequence: retained intron. Not counted in ClinVar's aggregate classification.

Dr. Peter K. Rogan Lab, Western University
No classification provided (evidence only). Condition: Acute myeloid leukemia. Review status: no classification provided. Collection method: in vitro. Allele origin: not applicable. Functional consequence: retained intron. Not counted in ClinVar's aggregate classification.

Dr. Peter K. Rogan Lab, Western University
No classification provided (evidence only). Condition: Acute myeloid leukemia. Review status: no classification provided. Collection method: in vitro. Allele origin: not applicable. Functional consequence: retained intron. Not counted in ClinVar's aggregate classification.

Dr. Peter K. Rogan Lab, Western University
No classification provided (evidence only). Condition: Acute myeloid leukemia. Review status: no classification provided. Collection method: in vitro. Allele origin: not applicable. Functional consequence: retained intron. Not counted in ClinVar's aggregate classification.

Dr. Peter K. Rogan Lab, Western University
No classification provided (evidence only). Condition: Acute myeloid leukemia. Review status: no classification provided. Collection method: in vitro. Allele origin: not applicable. Functional consequence: retained intron. Not counted in ClinVar's aggregate classification.

Dr. Peter K. Rogan Lab, Western University
No classification provided (evidence only). Condition: Acute myeloid leukemia. Review status: no classification provided. Collection method: in vitro. Allele origin: not applicable. Functional consequence: retained intron. Not counted in ClinVar's aggregate classification.

Dr. Peter K. Rogan Lab, Western University
No classification provided (evidence only). Condition: Uterine corpus endometrial carcinoma. Review status: no classification provided. Collection method: in vitro. Allele origin: not applicable. Functional consequence: retained intron. Not counted in ClinVar's aggregate classification.

Dr. Peter K. Rogan Lab, Western University
No classification provided (evidence only). Condition: Uterine corpus endometrial carcinoma. Review status: no classification provided. Collection method: in vitro. Allele origin: not applicable. Functional consequence: retained intron. Not counted in ClinVar's aggregate classification.

Dr. Peter K. Rogan Lab, Western University
No classification provided (evidence only). Condition: Nonpapillary renal cell carcinoma. Review status: no classification provided. Collection method: in vitro. Allele origin: not applicable. Functional consequence: retained intron. Not counted in ClinVar's aggregate classification.

Dr. Peter K. Rogan Lab, Western University
No classification provided (evidence only). Condition: Thymoma. Review status: no classification provided. Collection method: in vitro. Allele origin: not applicable. Functional consequence: retained intron. Not counted in ClinVar's aggregate classification.

Dr. Peter K. Rogan Lab, Western University
No classification provided (evidence only). Condition: Thymoma. Review status: no classification provided. Collection method: in vitro. Allele origin: not applicable. Functional consequence: retained intron. Not counted in ClinVar's aggregate classification.

Dr. Peter K. Rogan Lab, Western University
No classification provided (evidence only). Condition: Uterine carcinosarcoma. Review status: no classification provided. Collection method: in vitro. Allele origin: not applicable. Functional consequence: retained intron. Not counted in ClinVar's aggregate classification.

Dr. Peter K. Rogan Lab, Western University
No classification provided (evidence only). Condition: Uveal melanoma. Review status: no classification provided. Collection method: in vitro. Allele origin: not applicable. Functional consequence: retained intron. Not counted in ClinVar's aggregate classification.

Joint Genome Diagnostic Labs from Nijmegen and Maastricht, Radboudumc and MUMC+
Classification: Benign. Review status: no assertion criteria provided. Collection method: clinical testing. Allele origin: germline. Affected: yes. Study: VKGL Data-share Consensus. Not counted in ClinVar's aggregate classification.